The following is an entry in ClinVar:

NM_001197104.2(KMT2A):c.3320C>T (p.Ser1107Phe)

Gene: KMT2A (lysine methyltransferase 2A; plus strand). Cytogenetic location: 11q23.3.
Variant type: single nucleotide variant.
Coding change: c.3320C>T on transcript NM_001197104.2 (MANE Select); coding-DNA position 3320, C replaced by T.
Protein change: p.Ser1107Phe; replaces serine 1107 with phenylalanine.
Molecular consequence: missense variant.
Genome position (GRCh38, 1-based): chr11:118,476,968, C>T. VCF-style: chr11-118476968-C-T. GRCh37 (hg19) VCF-style: chr11-118347683-C-T.
Other names: c.3419C>T, p.Ser1140Phe (NM_001412597.1); c.3320C>T, p.Ser1107Phe (NM_005933.4); short protein forms S1107F, S1140F.
Identifiers: ClinVar variation 4800529 (VCV004800529.1).
Genomic context (GRCh38, chr11:118,476,968, plus strand): 5'-CTGATGACATGCCCACCCTGAGTGCCTTACCATGGGAAGAACGAGAAAAGATTTTGTCTT[C>T]CATGGGGAATGATGGTAGGTCAAGAAGGTCAATCTTGGAGTCGGAACAGACTTTTGATTT-3'
Protein context (NP_001184033.1, residues 1097-1117): PWEEREKILS[Ser1107Phe]MGNDDKSSIA

ClinVar aggregate classification (germline): Uncertain significance (1 of 4 stars; one submission).

Submission:

Labcorp Genetics (formerly Invitae), Labcorp
Classification: Uncertain significance. Last evaluated: 2025-02-04. Review status: criteria provided, single submitter. Criteria: Invitae Variant Classification Sherloc (09022015). Collection method: clinical testing. Allele origin: germline.
Comment: This sequence change replaces serine, which is neutral and polar, with phenylalanine, which is neutral and non-polar, at codon 1107 of the KMT2A protein (p.Ser1107Phe). This variant is not present in population databases (gnomAD no frequency). This variant has not been reported in the literature in individuals affected with KMT2A-related conditions. Invitae Evidence Modeling of protein sequence and biophysical properties (such as structural, functional, and spatial information, amino acid conservation, physicochemical variation, residue mobility, and thermodynamic stability) has been performed for this missense variant. However, the output from this modeling did not meet the statistical confidence thresholds required to predict the impact of this variant on KMT2A protein function. In summary, the available evidence is currently insufficient to determine the role of this variant in disease. Therefore, it has been classified as a Variant of Uncertain Significance.